The following is an entry in ClinVar:

NM_001005242.3(PKP2):c.1700T>G (p.Leu567Arg)

Gene: PKP2 (plakophilin 2; minus strand). Cytogenetic location: 12p11.21.
Variant type: single nucleotide variant.
Coding change: c.1700T>G on transcript NM_001005242.3 (MANE Select); coding-DNA position 1700, T replaced by G.
Protein change: p.Leu567Arg; replaces leucine 567 with arginine.
Molecular consequence: missense variant.
Genome position (GRCh38, 1-based): chr12:32,822,606, A>C on the plus strand (T>G on the coding strand, the complement: PKP2 is on the minus strand). VCF-style: chr12-32822606-A-C. GRCh37 (hg19) VCF-style: chr12-32975540-A-C.
Other names: p.L611R:CTT>CGT; c.1832T>G, p.Leu611Arg (NM_004572.4); short protein forms L611R, L567R.
Identifiers: ClinVar variation 201996 (VCV000201996.2), dbSNP rs794729111, ClinGen allele CA011478.

ClinVar aggregate classification (germline): Likely pathogenic (1 of 4 stars; one submission).

Submission:

GeneDx
Classification: Likely pathogenic. Last evaluated: 2012-05-25. Review status: criteria provided, single submitter. Criteria: GeneDx Variant Classification (06012015). Collection method: clinical testing. Allele origin: germline. Affected: yes.
Comment: p.Leu611Arg (CTT>CGT): c.1832 T>G in exon 9 of the PKP2 gene (NM_004572.3). The Leu611Arg variant in the PKP2 gene has not been reported previously as a disease-causing mutation nor as a benign polymorphism, to our knowledge. Leu611Arg results in a non-conservative amino acid substitution of a non-polar Leucine with a positively charged Arginine at a residue that is conserved across species. Mutations in nearby codons (Asn613Lys, Ser615Thr, Ser615Phe) have been reported in association with ARVC, supporting the functional importance of this region of the protein (Van der Zwaag P et al., 2009). The NHLBI ESP Exome Variant Server reports Leu611Arg was not observed in approximately 5,000 samples from individuals of European and African American backgrounds, indicating it is not a common benign variant in these populations. In summary, while the clinical significance of Leu611Arg in the PKP2 gene is currently unknown, the evidence suggests it is a good candidate for a disease-causing mutation. The variant is found in ARVC panel(s).